The following is an entry in ClinVar:

NM_003072.5(SMARCA4):c.770G>T (p.Gly257Val)

Gene: SMARCA4 (SWI/SNF related BAF chromatin remodeling complex subunit ATPase 4; plus strand). Cytogenetic location: 19p13.2.
Variant type: single nucleotide variant.
Coding change: c.770G>T on transcript NM_003072.5 (MANE Select); coding-DNA position 770, G replaced by T.
Protein change: p.Gly257Val; replaces glycine 257 with valine.
Molecular consequence: missense variant. On other transcripts: non-coding transcript variant (1).
Genome position (GRCh38, 1-based): chr19:10,986,914, G>T. VCF-style: chr19-10986914-G-T. GRCh37 (hg19) VCF-style: chr19-11097590-G-T.
Other names: c.770G>T, p.Gly257Val (NM_001128844.3, NM_001128845.2, NM_001128846.2 and 6 more transcripts); short protein forms G257V.
Identifiers: ClinVar variation 2914234 (VCV002914234.3), dbSNP rs1343719999, ClinGen allele CA404057849.

ClinVar aggregate classification (germline): Uncertain significance (1 of 4 stars; one submission).

Conditions:
Rhabdoid tumor predisposition syndrome 2 (RTPS2). Identifiers: Orphanet 231108, Orphanet 69077, MedGen C2750074, MONDO:0013224, OMIM 613325.

Allele frequency attached by ClinVar (database versions not stated): gnomAD exomes 0.00001.
gnomAD v4.1: 5 of 1,612,096 alleles (0.00031%); highest among the groups gnomAD compares: South Asian, 0.0055%; 1 homozygote.

Submission:

Labcorp Genetics (formerly Invitae), Labcorp
Classification: Uncertain significance for Rhabdoid tumor predisposition syndrome 2. Last evaluated: 2025-06-30. Review status: criteria provided, single submitter. Criteria: Invitae Variant Classification Sherloc (09022015). Collection method: clinical testing. Allele origin: germline.
Comment: This sequence change replaces glycine, which is neutral and non-polar, with valine, which is neutral and non-polar, at codon 257 of the SMARCA4 protein (p.Gly257Val). This variant is present in population databases (no rsID available, gnomAD 0.006%). This variant has not been reported in the literature in individuals affected with SMARCA4-related conditions. ClinVar contains an entry for this variant (Variation ID: 2914234). An algorithm developed to predict the effect of missense changes on protein structure and function (PolyPhen-2) suggests that this variant is likely to be disruptive. In summary, the available evidence is currently insufficient to determine the role of this variant in disease. Therefore, it has been classified as a Variant of Uncertain Significance.